The following is an entry in ClinVar:

NM_000038.6(APC):c.2753A>C (p.Glu918Ala)

Gene: APC (APC regulator of Wnt signaling pathway; plus strand). Cytogenetic location: 5q22.2.
Variant type: single nucleotide variant.
Coding change: c.2753A>C on transcript NM_000038.6 (MANE Select); coding-DNA position 2753, A replaced by C.
Protein change: p.Glu918Ala; replaces glutamic acid 918 with alanine.
Molecular consequence: missense variant.
Genome position (GRCh38, 1-based): chr5:112,838,347, A>C. VCF-style: chr5-112838347-A-C. GRCh37 (hg19) VCF-style: chr5-112174044-A-C.
Other names: c.2753A>C, p.Glu918Ala (NM_001127510.3, NM_001354895.2); c.2699A>C, p.Glu900Ala (NM_001127511.3); c.2807A>C, p.Glu936Ala (NM_001354896.2); c.2783A>C, p.Glu928Ala (NM_001354897.2); c.2678A>C, p.Glu893Ala (NM_001354898.2); c.2669A>C, p.Glu890Ala (NM_001354899.2); c.2630A>C, p.Glu877Ala (NM_001354900.2); c.2576A>C, p.Glu859Ala (NM_001354901.2); and 5 more; short protein forms E635A, E827A, E758A, E890A, E900A, E817A, E859A, E893A.
Identifiers: ClinVar variation 1377928 (VCV001377928.6), dbSNP rs2149876669, ClinGen allele CA16027336.
Genomic context (GRCh38, chr5:112,838,347, plus strand): 5'-ATACCTCTCAGGAAGACAGAAGTTCTGGGTCTACCACTGAATTACATTGTGTGACAGATG[A>C]GAGAAATGCACTTAGAAGAAGCTCTGCTGCCCATACACATTCAAACACTTACAATTTCAC-3'
Protein context (NP_000029.2, residues 908-928): STTELHCVTD[Glu918Ala]RNALRRSSAA

ClinVar aggregate classification (germline): Uncertain significance (1 of 4 stars; one submission).

Conditions:
Familial adenomatous polyposis 1 (FAP1). Also called: FAMILIAL ADENOMATOUS POLYPOSIS 1, ATTENUATED; POLYPOSIS, ADENOMATOUS INTESTINAL. Identifiers: MedGen C2713442, MONDO:0021056, OMIM 175100. Disease mechanism: loss of function.

Submission:

Labcorp Genetics (formerly Invitae), Labcorp
Classification: Uncertain significance for Familial adenomatous polyposis 1. Last evaluated: 2021-08-27. Review status: criteria provided, single submitter. Criteria: Invitae Variant Classification Sherloc (09022015). Collection method: clinical testing. Allele origin: germline.
Comment: This sequence change replaces glutamic acid with alanine at codon 918 of the APC protein (p.Glu918Ala). The glutamic acid residue is moderately conserved and there is a moderate physicochemical difference between glutamic acid and alanine. This variant is not present in population databases (ExAC no frequency). This variant has not been reported in the literature in individuals affected with APC-related conditions. Algorithms developed to predict the effect of missense changes on protein structure and function are either unavailable or do not agree on the potential impact of this missense change (SIFT: "Deleterious"; PolyPhen-2: "Benign"; Align-GVGD: "Class C0"). In summary, the available evidence is currently insufficient to determine the role of this variant in disease. Therefore, it has been classified as a Variant of Uncertain Significance.